The following is an entry in ClinVar:

ClinVar aggregate classification (germline): Uncertain significance (1 of 4 stars; one submission).

Allele frequency attached by ClinVar (database versions not stated): gnomAD exomes below 0.00001; TOPMed below 0.00001; ExAC 0.00001.
gnomAD v4.1: 5 of 1,614,208 alleles (0.00031%); highest among the groups gnomAD compares: South Asian, 0.0011%; no homozygotes.

Submission:

Labcorp Genetics (formerly Invitae), Labcorp
Classification: Uncertain significance. Last evaluated: 2022-02-23. Review status: criteria provided, single submitter. Criteria: Invitae Variant Classification Sherloc (09022015). Collection method: clinical testing. Allele origin: germline.
Comment: In summary, the available evidence is currently insufficient to determine the role of this variant in disease. Therefore, it has been classified as a Variant of Uncertain Significance. Algorithms developed to predict the effect of missense changes on protein structure and function (SIFT, PolyPhen-2, Align-GVGD) all suggest that this variant is likely to be tolerated. This variant has not been reported in the literature in individuals affected with SEMA4A-related conditions. This variant is present in population databases (rs762080029, gnomAD 0.006%). This sequence change replaces proline, which is neutral and non-polar, with serine, which is neutral and polar, at codon 468 of the SEMA4A protein (p.Pro468Ser).

NM_022367.4(SEMA4A):c.1402C>T (p.Pro468Ser)

Gene: SEMA4A (semaphorin 4A; plus strand). Cytogenetic location: 1q22.
Variant type: single nucleotide variant.
Coding change: c.1402C>T on transcript NM_022367.4 (MANE Select); coding-DNA position 1402, C replaced by T.
Protein change: p.Pro468Ser; replaces proline 468 with serine.
Molecular consequence: missense variant.
Genome position (GRCh38, 1-based): chr1:156,174,908, C>T. VCF-style: chr1-156174908-C-T. GRCh37 (hg19) VCF-style: chr1-156144699-C-T.
Other names: c.1402C>T, p.Pro468Ser (NM_001193300.2, NM_001193301.2, NM_001370567.1); c.1006C>T, p.Pro336Ser (NM_001193302.2); c.1105C>T, p.Pro369Ser (NM_001370568.1); c.895C>T, p.Pro299Ser (NM_001370569.1, NM_001370571.1); short protein forms P336S, P369S, P299S, P468S.
Identifiers: ClinVar variation 1470079 (VCV001470079.8), dbSNP rs762080029, ClinGen allele CA1155351.
Genomic context (GRCh38, chr1:156,174,908, plus strand): 5'-GTAAGTGGGGACAGCAGTGCTCATCTGGTGGAAGAGATTCAGCTGTTCCCTGACCCTGAA[C>T]CTGTTCGCAACCTGCAGCTGGCCCCCACCCAGGTGGGAAGGGACCTGACCATCAAATGGC-3'
Protein context (NP_071762.2, residues 458-478): EEIQLFPDPE[Pro468Ser]VRNLQLAPTQ